The following is an entry in ClinVar:

NM_020975.6(RET):c.3123G>A (p.Val1041=)

Gene: RET (ret proto-oncogene; plus strand). Cytogenetic location: 10q11.21.
Variant type: single nucleotide variant.
Coding change: c.3123G>A on transcript NM_020975.6 (MANE Select); coding-DNA position 3123, G replaced by A.
Protein change: p.Val1041=; no amino-acid change (valine 1041 retained).
Molecular consequence: synonymous variant.
Genome position (GRCh38, 1-based): chr10:43,126,658, G>A. VCF-style: chr10-43126658-G-A. GRCh37 (hg19) VCF-style: chr10-43622106-G-A.
Other names: c.3123G>A, p.Val1041= (NM_000323.2, NM_001406743.1, NM_001406744.1 and 4 more transcripts); c.2361G>A, p.Val787= (NM_001355216.2); c.2994G>A, p.Val998= (NM_001406761.1, NM_001406762.1, NM_001406764.1); c.2988G>A, p.Val996= (NM_001406763.1, NM_001406765.1); c.2835G>A, p.Val945= (NM_001406766.1, NM_001406767.1, NM_001406770.1); c.2859G>A, p.Val953= (NM_001406768.1); c.2727G>A, p.Val909= (NM_001406769.1, NM_001406772.1); c.2685G>A, p.Val895= (NM_001406771.1, NM_001406773.1); and 10 more.
Identifiers: ClinVar variation 705106 (VCV000705106.15), dbSNP rs147437610, ClinGen allele CA042670.

ClinVar aggregate classification (germline): Conflicting classifications of pathogenicity. Review status: criteria provided, conflicting classifications (1 of 4 stars). 3 submissions from 3 submitters: Uncertain significance (1); Likely benign (1). 1 of the submissions does not count toward it. Last evaluated 2025-06-12.

Conditions:
RET-related disorder. Also called: RET-related condition; RET-related disease; RET-related disorders.
Hereditary cancer-predisposing syndrome. Also called: Neoplastic Syndromes, Hereditary; Hereditary Cancer Syndrome; Tumor predisposition; Hereditary neoplastic syndrome. Identifiers: Orphanet 140162, MedGen C0027672, MeSH D009386, MONDO:0015356.
Multiple endocrine neoplasia, type 2 (MEN2). Identifiers: Orphanet 653, MedGen C4048306, MONDO:0019003. Disease mechanism: gain of function.

Allele frequency attached by ClinVar (database versions not stated): gnomAD exomes below 0.00001; TOPMed below 0.00001; ExAC 0.00001; ESP Exome Variant Server 0.00008.
gnomAD v4.1: 3 of 1,614,074 alleles (0.00019%); highest among the groups gnomAD compares: Non-Finnish European, 0.000085%; no homozygotes.

Submissions (3):

Ambry Genetics
Classification: Uncertain significance for Hereditary cancer-predisposing syndrome. Last evaluated: 2025-06-12. Review status: criteria provided, single submitter. Criteria: Ambry Variant Classification Scheme 2023. Collection method: clinical testing. Allele origin: germline.
Comment: The c.3123G>A variant (also known as p.V1041V), located in coding exon 19 of the RET gene, results from a G to A substitution at nucleotide position 3123. This nucleotide substitution does not change the valine at codon 1041. This nucleotide position is highly conserved in available vertebrate species. In silico splice site analysis predicts that this alteration may result in the creation or strengthening of a novel splice donor site. Based on the available evidence, the clinical significance of this variant remains unclear.

Labcorp Genetics (formerly Invitae), Labcorp
Classification: Likely benign for Multiple endocrine neoplasia, type 2. Last evaluated: 2025-01-12. Review status: criteria provided, single submitter. Criteria: Invitae Variant Classification Sherloc (09022015). Collection method: clinical testing. Allele origin: germline.

PreventionGenetics, part of Exact Sciences
Classification: Likely benign for RET-related condition. Last evaluated: 2021-11-08. Review status: no assertion criteria provided. Collection method: clinical testing. Allele origin: germline. Not counted in ClinVar's aggregate classification.
Comment: This variant is classified as likely benign based on ACMG/AMP sequence variant interpretation guidelines (Richards et al. 2015 PMID: 25741868, with internal and published modifications).